The following is an entry in ClinVar:

ClinVar aggregate classification (germline): Likely benign. Review status: criteria provided, multiple submitters, no conflicts (2 of 4 stars). 3 submissions from 3 submitters: Likely benign (3). Last evaluated 2026-02-01.

Conditions:
Hereditary cancer-predisposing syndrome. Also called: Neoplastic Syndromes, Hereditary; Tumor predisposition; Hereditary neoplastic syndrome; Hereditary Cancer Syndrome. Identifiers: Orphanet 140162, MedGen C0027672, MeSH D009386, MONDO:0015356.
Baller-Gerold syndrome (BGS). Also called: CRANIOSYNOSTOSIS WITH RADIAL DEFECTS. Identifiers: Orphanet 1225, MedGen C0265308, MONDO:0009039, OMIM 218600.

Allele frequency attached by ClinVar (database versions not stated): ExAC 0.00008; gnomAD 0.00014 and 0.00015; TOPMed 0.00014; ESP Exome Variant Server 0.00016; gnomAD exomes 0.00006.
gnomAD v4.1: 92 of 1,603,972 alleles (0.0057%); highest among the groups gnomAD compares: Admixed American, 0.02%; no homozygotes.

Submissions (3):

Labcorp Genetics (formerly Invitae), Labcorp
Classification: Likely benign for Baller-Gerold syndrome. Last evaluated: 2026-02-01. Review status: criteria provided, single submitter. Criteria: Invitae Variant Classification Sherloc (09022015). Collection method: clinical testing. Allele origin: germline.

CeGaT Center for Human Genetics Tuebingen
Classification: Likely benign. Last evaluated: 2025-12-01. Review status: criteria provided, single submitter. Criteria: CeGaT Center For Human Genetics Tuebingen Variant Classification Criteria Version 2. Collection method: clinical testing. Allele origin: germline. Affected: yes. Observed: 1 variant allele.
Comment: RECQL4: BP4, BP7

Sema4
Classification: Likely benign for Hereditary cancer-predisposing syndrome. Last evaluated: 2022-01-23. Review status: criteria provided, single submitter. Criteria: Sema4 Curation Guidelines. Collection method: curation. Allele origin: germline.

NM_004260.4(RECQL4):c.2748G>A (p.Pro916=)

Gene: RECQL4 (RecQ like helicase 4; minus strand). Cytogenetic location: 8q24.3.
Variant type: single nucleotide variant.
Coding change: c.2748G>A on transcript NM_004260.4 (MANE Select); coding-DNA position 2748, G replaced by A.
Protein change: p.Pro916=; no amino-acid change (proline 916 retained).
Molecular consequence: synonymous variant.
Genome position (GRCh38, 1-based): chr8:144,512,854, C>T on the plus strand (G>A on the coding strand, the complement: RECQL4 is on the minus strand). VCF-style: chr8-144512854-C-T. GRCh37 (hg19) VCF-style: chr8-145738237-C-T.
Identifiers: ClinVar variation 696657 (VCV000696657.16), dbSNP rs370679924, ClinGen allele CA4948126.
Genomic context (GRCh38, chr8:144,512,854, plus strand): 5'-CGGACGCGGGGACAGCCCCTCCACACCCCTGTGGCTTACCCCAGGTTCCTCACCCTCCTC[C>T]GGCATGTCCAAAGCCTGTACGGTAAGCTGTATTGGGAGTGCCCGCTCATGGCCCATGCAG-3'
Protein context (NP_004251.4, residues 906-926): IQLTVQALDM[Pro916=]EEAIETLLCY